The following is an entry in ClinVar:

ClinVar aggregate classification (germline): Uncertain significance (1 of 4 stars; one submission).

Conditions:
Koolen-de Vries syndrome (KDVS). Identifiers: Orphanet 96169, MedGen C1864871, MONDO:0012496, OMIM 610443.

Allele frequency attached by ClinVar (database versions not stated): TOPMed below 0.00001; ExAC 0.00001; gnomAD 0.00001; ESP Exome Variant Server 0.00008.
gnomAD v4.1: 3 of 1,614,036 alleles (0.00019%); highest among the groups gnomAD compares: Non-Finnish European, 0.00025%; no homozygotes.

Submission:

Labcorp Genetics (formerly Invitae), Labcorp
Classification: Uncertain significance for Koolen-de Vries syndrome. Last evaluated: 2025-10-16. Review status: criteria provided, single submitter. Criteria: Invitae Variant Classification Sherloc (09022015). Collection method: clinical testing. Allele origin: germline.
Comment: This sequence change replaces cysteine, which is neutral and slightly polar, with phenylalanine, which is neutral and non-polar, at codon 664 of the KANSL1 protein (p.Cys664Phe). This variant is present in population databases (rs368245340, gnomAD 0.003%). This variant has not been reported in the literature in individuals affected with KANSL1-related conditions. ClinVar contains an entry for this variant (Variation ID: 1977225). Invitae Evidence Modeling of protein sequence and biophysical properties (such as structural, functional, and spatial information, amino acid conservation, physicochemical variation, residue mobility, and thermodynamic stability) indicates that this missense variant is not expected to disrupt KANSL1 protein function with a negative predictive value of 80%. In summary, the available evidence is currently insufficient to determine the role of this variant in disease. Therefore, it has been classified as a Variant of Uncertain Significance.

NM_015443.4(KANSL1):c.1991G>T (p.Cys664Phe)

Gene: KANSL1 (KAT8 regulatory NSL complex subunit 1). Cytogenetic location: 17q21.31.
Variant type: single nucleotide variant.
Coding change: c.1991G>T on transcript NM_015443.4 (MANE Select); coding-DNA position 1991, G replaced by T.
Protein change: p.Cys664Phe; replaces cysteine 664 with phenylalanine.
Molecular consequence: missense variant.
Genome position (GRCh38, 1-based): chr17:46,050,562, C>A on the plus strand (G>T on the coding strand, the complement: KANSL1 is on the minus strand). VCF-style: chr17-46050562-C-A. GRCh37 (hg19) VCF-style: chr17-44127928-C-A.
Other names: c.1991G>T, p.Cys664Phe (NM_001405877.1, NM_001405878.1, NM_001405879.1 and 14 more transcripts); c.1889G>T, p.Cys630Phe (NM_001405881.1, NM_001405859.1, NM_001405860.1 and 1 more transcripts); c.725G>T, p.Cys242Phe (NM_001405882.1, NM_001405883.1, NM_001405884.1 and 1 more transcripts); short protein forms C664F, C630F, C242F.
Identifiers: ClinVar variation 1977225 (VCV001977225.5), dbSNP rs368245340, ClinGen allele CA8618673.